The following is an entry in ClinVar:

NM_002755.4(MAP2K1):c.842_844del (p.Gly281del)

Gene: MAP2K1 (mitogen-activated protein kinase kinase 1; plus strand). Cytogenetic location: 15q22.31.
Variant type: Deletion.
Coding change: c.842_844del on transcript NM_002755.4 (MANE Select); coding-DNA positions 842 to 844, 3 bases deleted (GAG; older notation c.842_844delGAG).
Protein change: p.Gly281del; deletes glycine 281.
Molecular consequence: inframe deletion. On other transcripts: inframe indel (1).
Genome position (GRCh38, 1-based): chr15:66,485,138-66,485,140, GAG deleted; deleting any 3 consecutive bases within chr15:66,485,136-66,485,140 gives the same sequence; the c. name uses the placement nearest the transcript's 3' end. VCF-style (leftmost placement, unchanged base first): chr15-66485135-AAGG-A. GRCh37 (hg19) VCF-style: chr15-66777473-AAGG-A.
Other names: c.698_700delGAG, p.Gly233del (NM_001411065.1); short protein forms G281del, G233del.
Identifiers: ClinVar variation 2191063 (VCV002191063.5), dbSNP rs1309760639, ClinGen allele CA715036079.

ClinVar aggregate classification (germline): Uncertain significance. Review status: criteria provided, multiple submitters, no conflicts (2 of 4 stars). 2 submissions from 2 submitters: Uncertain significance (2). Last evaluated 2022-08-26.

Conditions:
Cardiovascular phenotype. Identifiers: MedGen CN230736.
RASopathy. Also called: rasopathies; Noonan spectrum disorder. Identifiers: Orphanet 536391, MedGen C5555857, MONDO:0021060.

Submissions (2):

Ambry Genetics
Classification: Uncertain significance for Cardiovascular phenotype. Last evaluated: 2022-08-26. Review status: criteria provided, single submitter. Criteria: Ambry Variant Classification Scheme 2023. Collection method: clinical testing. Allele origin: germline.
Comment: The c.842_844delGAG (p.G281del) alteration is located in exon 7 (coding exon 7) of the MAP2K1 gene. This alteration consists of an in-frame deletion of 3 nucleotides between nucleotide positions c.842 and c.844, resulting in the deletion of <NA> residues. Based on insufficient or conflicting evidence, the clinical significance of this alteration remains unclear.

Labcorp Genetics (formerly Invitae), Labcorp
Classification: Uncertain significance for RASopathy. Last evaluated: 2022-02-22. Review status: criteria provided, single submitter. Criteria: Invitae Variant Classification Sherloc (09022015). Collection method: clinical testing. Allele origin: germline.
Comment: In summary, the available evidence is currently insufficient to determine the role of this variant in disease. Therefore, it has been classified as a Variant of Uncertain Significance. Experimental studies and prediction algorithms are not available or were not evaluated, and the functional significance of this variant is currently unknown. This variant has not been reported in the literature in individuals affected with MAP2K1-related conditions. This variant is not present in population databases (gnomAD no frequency). This variant, c.842_844del, results in the deletion of 1 amino acid(s) of the MAP2K1 protein (p.Gly281del), but otherwise preserves the integrity of the reading frame.